The following is an entry in ClinVar:

NM_002617.4(PEX10):c.601-42C>A

Gene: PEX10 (peroxisomal biogenesis factor 10; minus strand). Cytogenetic location: 1p36.32.
Variant type: single nucleotide variant.
Coding change: c.601-42C>A on transcript NM_002617.4 (MANE Select); 42 bases into the intron before coding-DNA position 601, C replaced by A.
Molecular consequence: intron variant. On other transcripts: missense variant (3).
Genome position (GRCh38, 1-based): chr1:2,406,937, G>T on the plus strand (C>A on the coding strand, the complement: PEX10 is on the minus strand). VCF-style: chr1-2406937-G-T. GRCh37 (hg19) VCF-style: chr1-2338376-G-T.
Other names: c.616C>A, p.Pro206Thr (NM_001374425.1); c.184C>A, p.Pro62Thr (NM_001374426.1); c.619C>A, p.Pro207Thr (NM_153818.2); c.169-42C>A (NM_001374427.1); short protein forms P206T, P207T, P62T.
Identifiers: ClinVar variation 1008941 (VCV001008941.3), dbSNP rs1164836731, ClinGen allele CA337985957.

ClinVar aggregate classification (germline): Uncertain significance. Review status: criteria provided, single submitter (1 of 4 stars). 2 submissions from 2 submitters: Uncertain significance (1). 1 of the submissions does not count toward it. Last evaluated 2022-05-04.

Conditions:
Zellweger spectrum disorders (ZS). Also called: Zellweger Spectrum Disorder (ZSD); Zellweger Spectrum Disorder; Zellweger Spectrum; Zellweger syndrome. Identifiers: Orphanet 912, MedGen C0043459, MONDO:0019609.
Peroxisome biogenesis disorder, complementation group 7 (CG7). Also called: Peroxisome biogenesis disorder, complementation group B. Identifiers: MedGen C1864399.

Allele frequency attached by ClinVar (database versions not stated): gnomAD exomes below 0.00001.
gnomAD v4.1: 6 of 1,594,454 alleles (0.00038%); highest among the groups gnomAD compares: Non-Finnish European, 0.00051%; no homozygotes.

Submissions (2):

Labcorp Genetics (formerly Invitae), Labcorp
Classification: Uncertain significance for Peroxisome biogenesis disorder, complementation group 7. Last evaluated: 2022-05-04. Review status: criteria provided, single submitter. Criteria: Invitae Variant Classification Sherloc (09022015). Collection method: clinical testing. Allele origin: germline.
Comment: This sequence change replaces proline, which is neutral and non-polar, with threonine, which is neutral and polar, at codon 207 of the PEX10 protein (p.Pro207Thr). This variant is present in population databases (no rsID available, gnomAD 0.001%). This variant has not been reported in the literature in individuals affected with PEX10-related conditions. ClinVar contains an entry for this variant (Variation ID: 1008941). Algorithms developed to predict the effect of missense changes on protein structure and function are either unavailable or do not agree on the potential impact of this missense change (SIFT: "Deleterious"; PolyPhen-2: "Benign"; Align-GVGD: "Class C0"). In summary, the available evidence is currently insufficient to determine the role of this variant in disease. Therefore, it has been classified as a Variant of Uncertain Significance.

Natera, Inc.
Classification: Uncertain significance for Zellweger syndrome. Last evaluated: 2020-06-17. Review status: no assertion criteria provided. Collection method: clinical testing. Allele origin: germline. Not counted in ClinVar's aggregate classification.